The following is an entry in ClinVar:

ClinVar aggregate classification (germline): Likely benign (1 of 4 stars; one submission).

Conditions:
HK1-related disorder. Also called: HK1-related condition; HK1-related disorders.

gnomAD v4.1: 1 of 1,613,850 alleles (0.000062%); highest among the groups gnomAD compares: African/African-American, 0.0013%; no homozygotes.

Submission:

PreventionGenetics, part of Exact Sciences
Classification: Likely benign for HK1-related condition. Last evaluated: 2025-06-30. Review status: criteria provided, single submitter. Criteria: ACMG Guidelines, 2015. Collection method: clinical testing. Allele origin: germline.
Comment: This variant is classified as likely benign based on ACMG/AMP sequence variant interpretation guidelines (Richards et al. 2015 PMID: 25741868, with internal and published modifications).

NM_000188.3(HK1):c.108C>A (p.Leu36=)

Gene: HK1 (hexokinase 1; plus strand). Cytogenetic location: 10q22.1.
Variant type: single nucleotide variant.
Coding change: c.108C>A on transcript NM_000188.3 (MANE Select); coding-DNA position 108, C replaced by A.
Protein change: p.Leu36=; no amino-acid change (leucine 36 retained).
Molecular consequence: synonymous variant. On other transcripts: 5 prime UTR variant (5), non-coding transcript variant (2).
Genome position (GRCh38, 1-based): chr10:69,343,871, C>A. VCF-style: chr10-69343871-C-A. GRCh37 (hg19) VCF-style: chr10-71103627-C-A.
Other names: c.120C>A, p.Leu40= (NM_001322364.2, NM_001358263.1, NM_033497.3 and 1 more transcripts); c.213C>A, p.Leu71= (NM_001322365.2); c.24C>A, p.Leu8= (NM_001322366.1, NM_001441143.1); c.108C>A, p.Leu36= (NM_001322367.1, NM_001441139.1, NM_001441141.1 and 5 more transcripts); c.99C>A, p.Leu33= (NM_001441140.1); c.66C>A, p.Leu22= (NM_001441142.1); c.-110C>A (NM_001441147.1, NM_001441149.1); c.-297C>A (NM_001441151.1); and 4 more.
Identifiers: ClinVar variation 4984959 (VCV004984959.1).